The following is an entry in ClinVar:

ClinVar aggregate classification (germline): Pathogenic (1 of 4 stars; one submission).

Conditions:
Inborn genetic diseases. Identifiers: MedGen C0950123, MeSH D030342.

Submission:

Ambry Genetics
Classification: Pathogenic for Inborn genetic diseases. Last evaluated: 2022-10-19. Review status: criteria provided, single submitter. Criteria: Ambry Variant Classification Scheme 2023. Collection method: clinical testing. Allele origin: germline.
Comment: The c.4495C>G (p.L1499V) alteration is located in coding exon 27 of the CREBBP gene. This alteration results from a C to G substitution at nucleotide position 4495, causing the leucine (L) at amino acid position 1499 to be replaced by a valine (V). _x000D_ _x000D_ Based on the available evidence, the c.4495C>G (p.L1499V) alteration is classified as pathogenic for Rubinstein-Taybi syndrome; however, its clinical significance for Menke-Hennekam syndrome is unclear. This variant was not reported in population-based cohorts in the Genome Aggregation Database (gnomAD). This variant has been determined to be the result of a de novo mutation or germline mosaicism in multiple individuals with clinical features of Rubinstein-Taybi syndrome (Ambry internal data). This amino acid position is highly conserved in available vertebrate species. The in silico prediction for this alteration is inconclusive. Based on the available evidence, this alteration is classified as pathogenic.

NM_004380.3(CREBBP):c.4495C>G (p.Leu1499Val)

Gene: CREBBP (CREB binding protein; minus strand). Cytogenetic location: 16p13.3.
Variant type: single nucleotide variant.
Coding change: c.4495C>G on transcript NM_004380.3 (MANE Select); coding-DNA position 4495, C replaced by G.
Protein change: p.Leu1499Val; replaces leucine 1499 with valine.
Molecular consequence: missense variant.
Genome position (GRCh38, 1-based): chr16:3,736,715, G>C on the plus strand (C>G on the coding strand, the complement: CREBBP is on the minus strand). VCF-style: chr16-3736715-G-C. GRCh37 (hg19) VCF-style: chr16-3786716-G-C.
Other names: c.4381C>G, p.Leu1461Val (NM_001079846.1); short protein forms L1461V, L1499V.
Identifiers: ClinVar variation 985924 (VCV000985924.4), dbSNP rs2052070559, ClinGen allele CA394563628.
Genomic context (GRCh38, chr16:3,736,715, plus strand): 5'-AGTCATGGATGATCCGCTCTGCAAACGCCTTGTCCAGCATCTTTTTGTACCACTCCTGCA[G>C]TCGTTTTGGCTTGGGTATTTTTTGATCAGGTGGGTGGCAATGGAAGATGTAATCATCTCC-3'
Protein context (NP_004371.2, residues 1489-1509): PDQKIPKPKR[Leu1499Val]QEWYKKMLDK